The following is an entry in ClinVar:

NM_001042492.3(NF1):c.2443del (p.Arg815fs)

Gene: NF1 (neurofibromin 1; plus strand). Cytogenetic location: 17q11.2.
Variant type: Deletion.
Coding change: c.2443del on transcript NM_001042492.3 (MANE Select); coding-DNA position 2443, one base deleted (A; older notation c.2443delA).
Protein change: p.Arg815fs; shifts the reading frame from arginine 815.
Molecular consequence: frameshift variant.
Genome position (GRCh38, 1-based): chr17:31,229,058, A deleted. VCF-style (leftmost placement, unchanged base first): chr17-31229057-GA-G. GRCh37 (hg19) VCF-style: chr17-29556075-GA-G.
Other names: c.2443delA, p.Arg815Glyfs (NM_000267.4); short protein forms R815fs.
Identifiers: ClinVar variation 1371472 (VCV001371472.8), dbSNP rs2151428869, ClinGen allele CA2573130312.

ClinVar aggregate classification (germline): Pathogenic. Review status: criteria provided, multiple submitters, no conflicts (2 of 4 stars). 2 submissions from 2 submitters: Pathogenic (2). Last evaluated 2025-07-03.

Conditions:
Neurofibromatosis, type 1 (NF1). Also called: Peripheral type neurofibromatosis; Neurofibromatosis, type I; VON RECKLINGHAUSEN DISEASE; NEUROFIBROMATOSIS, TYPE I, SOMATIC. Identifiers: Orphanet 636, MedGen C0027831, MONDO:0018975, OMIM 162200. Disease mechanism: loss of function.

Submissions (2):

Dasa
Classification: Pathogenic for neurofibromatosis type 1. Last evaluated: 2025-07-03. Review status: criteria provided, single submitter. Criteria: DASA Assertion Criteria. Collection method: clinical testing. Allele origin: germline.
Comment: NM_001042492.3(NF1):c.2443del (p.Arg815Glyfs*6) is a frameshift variant in NF1 predicted to alter the reading frame and introduce a premature termination codon and is predicted to result in an absent or altered protein product. Loss of function is an established disease mechanism for NF1 (PMID: 1757093; PMID: 1302608; PMID: 34427956). This variant has been reported in individuals with NF1-related disorders. Also, this variant is absent from population databases. Based on the currently available evidence, this variant is classified as pathogenic.

Labcorp Genetics (formerly Invitae), Labcorp
Classification: Pathogenic for Neurofibromatosis, type 1. Last evaluated: 2021-05-05. Review status: criteria provided, single submitter. Criteria: Invitae Variant Classification Sherloc (09022015). Collection method: clinical testing. Allele origin: germline.
Comment: For these reasons, this variant has been classified as Pathogenic. This variant has not been reported in the literature in individuals with NF1-related conditions. This variant is not present in population databases (ExAC no frequency). This sequence change creates a premature translational stop signal (p.Arg815Glyfs*6) in the NF1 gene. It is expected to result in an absent or disrupted protein product. Loss-of-function variants in NF1 are known to be pathogenic (PMID: 10712197, 23913538).

Literature cited by the submitters: PubMed 1757093 (cited by Dasa); PubMed 1302608 (cited by Dasa); PubMed 34427956 (cited by Dasa); PubMed 10712197 (cited by Labcorp Genetics (formerly Invitae), Labcorp); PubMed 23913538 (cited by Labcorp Genetics (formerly Invitae), Labcorp).